The following is an entry in ClinVar:

NM_003062.4(SLIT3):c.3783C>T (p.Ser1261=)

Gene: SLIT3 (slit guidance ligand 3; minus strand). Cytogenetic location: 5q34.
Variant type: single nucleotide variant.
Coding change: c.3783C>T on transcript NM_003062.4 (MANE Select); coding-DNA position 3783, C replaced by T.
Protein change: p.Ser1261=; no amino-acid change (serine 1261 retained).
Molecular consequence: synonymous variant.
Genome position (GRCh38, 1-based): chr5:168,673,235, G>A on the plus strand (C>T on the coding strand, the complement: SLIT3 is on the minus strand). VCF-style: chr5-168673235-G-A. GRCh37 (hg19) VCF-style: chr5-168100240-G-A.
Other names: c.3804C>T, p.Ser1268= (NM_001271946.2).
Identifiers: ClinVar variation 2656048 (VCV002656048.24), dbSNP rs1223858431, ClinGen allele CA447771928.

ClinVar aggregate classification (germline): Likely benign (1 of 4 stars; one submission).

Allele frequency attached by ClinVar (database versions not stated): gnomAD 0.00001; gnomAD exomes 0.00001; TOPMed 0.00002.
gnomAD v4.1: 11 of 1,614,010 alleles (0.00068%); highest among the groups gnomAD compares: Admixed American, 0.0017%; no homozygotes.

Submission:

CeGaT Center for Human Genetics Tuebingen
Classification: Likely benign. Last evaluated: 2023-04-01. Review status: criteria provided, single submitter. Criteria: CeGaT Center For Human Genetics Tuebingen Variant Classification Criteria Version 2. Collection method: clinical testing. Allele origin: germline. Affected: yes. Observed: 1 variant allele.
Comment: SLIT3: BP4, BP7